The following is an entry in ClinVar:

ClinVar aggregate classification (germline): Likely benign. Review status: criteria provided, multiple submitters, no conflicts (2 of 4 stars). 3 submissions from 3 submitters: Likely benign (3). Last evaluated 2024-12-01.

Conditions:
Retinitis pigmentosa 80 (RP80). Identifiers: MedGen C4540439, MONDO:0054708, OMIM 617781.
Saldino-Mainzer syndrome (SRTD9). Also called: Renal dysplasia, retinal pigmentary dystrophy, cerebellar ataxia and skeletal dysplasia; short-rib thoracic dysplasia 9 with or without polydactyly; CONORENAL SYNDROME; SHORT-RIB THORACIC DYSPLASIA 9 WITHOUT POLYDACTYLY. Identifiers: Orphanet 140969, MedGen C1849437, MONDO:0009964, OMIM 266920.

Allele frequency attached by ClinVar (database versions not stated): TOPMed below 0.00001; gnomAD 0.00001; gnomAD exomes 0.00003 and 0.00004; ExAC 0.00007.
gnomAD v4.1: 41 of 1,610,284 alleles (0.0025%); highest among the groups gnomAD compares: South Asian, 0.027%; no homozygotes.

Submissions (3):

CeGaT Center for Human Genetics Tuebingen
Classification: Likely benign. Last evaluated: 2024-12-01. Review status: criteria provided, single submitter. Criteria: CeGaT Center For Human Genetics Tuebingen Variant Classification Criteria Version 2. Collection method: clinical testing. Allele origin: germline. Affected: yes. Observed: 1 variant allele.
Comment: IFT140: BP4, BP7

Labcorp Genetics (formerly Invitae), Labcorp
Classification: Likely benign for Saldino-Mainzer syndrome. Last evaluated: 2024-11-07. Review status: criteria provided, single submitter. Criteria: Invitae Variant Classification Sherloc (09022015). Collection method: clinical testing. Allele origin: germline.

Fulgent Genetics
Classification: Likely benign for Saldino-Mainzer syndrome; Retinitis pigmentosa 80. Last evaluated: 2022-04-29. Review status: criteria provided, single submitter. Criteria: ACMG Guidelines, 2015. Collection method: clinical testing. Allele origin: unknown.

NM_014714.4(IFT140):c.2433C>T (p.Cys811=)

Gene: IFT140 (intraflagellar transport 140; minus strand). Cytogenetic location: 16p13.3.
Variant type: single nucleotide variant.
Coding change: c.2433C>T on transcript NM_014714.4 (MANE Select); coding-DNA position 2433, C replaced by T.
Protein change: p.Cys811=; no amino-acid change (cysteine 811 retained).
Molecular consequence: synonymous variant.
Genome position (GRCh38, 1-based): chr16:1,526,763, G>A on the plus strand (C>T on the coding strand, the complement: IFT140 is on the minus strand). VCF-style: chr16-1526763-G-A. GRCh37 (hg19) VCF-style: chr16-1576764-G-A.
Identifiers: ClinVar variation 1080421 (VCV001080421.24), dbSNP rs756784917, ClinGen allele CA7813627.